The following is an entry in ClinVar:

NM_018489.3(ASH1L):c.5248G>C (p.Gly1750Arg)

Gene: ASH1L (ASH1 like histone lysine methyltransferase; minus strand). Cytogenetic location: 1q22.
Variant type: single nucleotide variant.
Coding change: c.5248G>C on transcript NM_018489.3 (MANE Select); coding-DNA position 5248, G replaced by C.
Protein change: p.Gly1750Arg; replaces glycine 1750 with arginine.
Molecular consequence: missense variant.
Genome position (GRCh38, 1-based): chr1:155,438,907, C>G on the plus strand (G>C on the coding strand, the complement: ASH1L is on the minus strand). VCF-style: chr1-155438907-C-G. GRCh37 (hg19) VCF-style: chr1-155408698-C-G.
Other names: c.5248G>C, p.Gly1750Arg (NM_001366177.2); short protein forms G1750R.
Identifiers: ClinVar variation 1800557 (VCV001800557.1), dbSNP rs2526762511, ClinGen allele CA342692217.

ClinVar aggregate classification (germline): Uncertain significance (1 of 4 stars; one submission).

Submission:

GeneDx
Classification: Uncertain significance. Last evaluated: 2022-05-19. Review status: criteria provided, single submitter. Criteria: GeneDx Variant Classification Process June 2021. Collection method: clinical testing. Allele origin: germline. Affected: yes.
Comment: Not observed at significant frequency in large population cohorts (gnomAD); In silico analysis supports that this missense variant does not alter protein structure/function; Has not been previously published as pathogenic or benign to our knowledge